The following is an entry in ClinVar:

ClinVar aggregate classification (germline): Benign. Review status: criteria provided, multiple submitters, no conflicts (2 of 4 stars). 4 submissions from 4 submitters: Benign (4). Last evaluated 2026-01-28.

Allele frequency attached by ClinVar (database versions not stated): TOPMed 0.02303; 1000 Genomes Project 30x 0.01171; 1000 Genomes Project 0.01158; ExAC 0.02415; gnomAD exomes 0.02422; ESP Exome Variant Server 0.02799.

Submissions (4):

Labcorp Genetics (formerly Invitae), Labcorp
Classification: Benign. Last evaluated: 2026-01-28. Review status: criteria provided, single submitter. Criteria: Invitae Variant Classification Sherloc (09022015). Collection method: clinical testing. Allele origin: germline.

Mayo Clinic Laboratories, Mayo Clinic
Classification: Benign. Last evaluated: 2023-02-15. Review status: criteria provided, single submitter. Criteria: ACMG Guidelines, 2015. Collection method: clinical testing. Allele origin: germline. Observed: 5 variant alleles.
Comment: BS1, BS2, BP4, BP7

GeneDx
Classification: Benign. Last evaluated: 2020-08-24. Review status: criteria provided, single submitter. Criteria: GeneDx Variant Classification Process June 2021. Collection method: clinical testing. Allele origin: germline. Affected: yes.

Breakthrough Genomics
Classification: Benign. Review status: criteria provided, single submitter. Criteria: ACMG Guidelines, 2015. Collection method: not provided. Allele origin: germline. Inheritance: Autosomal recessive inheritance. Affected: yes.

NM_015135.3(NUP205):c.2427G>A (p.Leu809=)

Gene: NUP205 (nucleoporin 205; plus strand). Cytogenetic location: 7q33.
Variant type: single nucleotide variant.
Coding change: c.2427G>A on transcript NM_015135.3 (MANE Select); coding-DNA position 2427, G replaced by A.
Protein change: p.Leu809=; no amino-acid change (leucine 809 retained).
Molecular consequence: synonymous variant.
Genome position (GRCh38, 1-based): chr7:135,601,422, G>A. VCF-style: chr7-135601422-G-A. GRCh37 (hg19) VCF-style: chr7-135286170-G-A.
Other names: p.Leu809=; c.1353G>A, p.Leu451= (NM_001329434.2).
Identifiers: ClinVar variation 1179435 (VCV001179435.12), dbSNP rs35467082, ClinGen allele CA4498349.